The following is an entry in ClinVar:

ClinVar aggregate classification (germline): Uncertain significance. Review status: criteria provided, multiple submitters, no conflicts (2 of 4 stars). 2 submissions from 2 submitters: Uncertain significance (2). Last evaluated 2024-04-15.

Conditions:
Kabuki syndrome 2 (KABUK2). Also called: KDM6A-Related Kabuki Syndrome. Identifiers: Orphanet 2322, MedGen C3275495, MONDO:0010465, OMIM 300867.

Allele frequency attached by ClinVar (database versions not stated): gnomAD 0.00001.
gnomAD v4.1: 1 of 1,202,511 alleles (0.000083%); highest among the groups gnomAD compares: Admixed American, 0.0022%; no homozygotes.

Submissions (2):

Fulgent Genetics
Classification: Uncertain significance for Kabuki syndrome 2. Last evaluated: 2024-04-15. Review status: criteria provided, single submitter. Criteria: ACMG Guidelines, 2015. Collection method: clinical testing. Allele origin: germline.

GeneDx
Classification: Uncertain significance. Last evaluated: 2019-07-09. Review status: criteria provided, single submitter. Criteria: GeneDx Variant Classification Process June 2021. Collection method: clinical testing. Allele origin: germline. Affected: yes.
Comment: In silico analysis, which includes protein predictors and evolutionary conservation, supports that this variant does not alter protein structure/function; Has not been previously published as pathogenic or benign to our knowledge

NM_001291415.2(KDM6A):c.2044G>A (p.Glu682Lys)

Gene: KDM6A (lysine demethylase 6A; plus strand). Cytogenetic location: Xp11.3.
Variant type: single nucleotide variant.
Coding change: c.2044G>A on transcript NM_001291415.2 (MANE Select); coding-DNA position 2044, G replaced by A.
Protein change: p.Glu682Lys; replaces glutamic acid 682 with lysine.
Molecular consequence: missense variant. On other transcripts: non-coding transcript variant (1).
Genome position (GRCh38, 1-based): chrX:45,063,782, G>A. VCF-style: chrX-45063782-G-A. GRCh37 (hg19) VCF-style: chrX-44923027-G-A.
Other names: c.1753G>A, p.Glu585Lys (NM_001291417.2); c.1651G>A, p.Glu551Lys (NM_001291418.2); c.1000G>A, p.Glu334Lys (NM_001291421.2); c.1888G>A, p.Glu630Lys (NM_021140.4); c.1909G>A, p.Glu637Lys (NM_001291416.2); c.1888G>A (NM_021140.3); short protein forms E334K, E551K, E585K, E630K, E637K, E682K.
Identifiers: ClinVar variation 1302274 (VCV001302274.3), dbSNP rs1423992975, ClinGen allele CA412790834.